The following is an entry in ClinVar:

ClinVar aggregate classification (germline): Conflicting classifications of pathogenicity. Review status: criteria provided, conflicting classifications (1 of 4 stars). 4 submissions from 4 submitters: Uncertain significance (2); Benign (2). Last evaluated 2026-01-28.

Conditions:
Spastic paraplegia. Identifiers: MedGen C0037772, HP:0001258.

Allele frequency attached by ClinVar (database versions not stated): gnomAD exomes 0.00013 and 0.00034; ExAC 0.00046; 1000 Genomes Project 0.00060; 1000 Genomes Project 30x 0.00062; gnomAD 0.00125 and 0.00131; TOPMed 0.00125; ESP Exome Variant Server 0.00192.
gnomAD v4.1: 390 of 1,614,152 alleles (0.024%); highest among the groups gnomAD compares: African/African-American, 0.47%; no homozygotes.

Submissions (4):

Labcorp Genetics (formerly Invitae), Labcorp
Classification: Benign for Spastic paraplegia. Last evaluated: 2026-01-28. Review status: criteria provided, single submitter. Criteria: Invitae Variant Classification Sherloc (09022015). Collection method: clinical testing. Allele origin: germline.

Mayo Clinic Laboratories, Mayo Clinic
Classification: Uncertain significance. Last evaluated: 2025-07-10. Review status: criteria provided, single submitter. Criteria: ACMG Guidelines, 2015. Collection method: clinical testing. Allele origin: germline. Observed: 2 variant alleles.

Athena Diagnostics
Classification: Benign. Last evaluated: 2021-12-07. Review status: criteria provided, single submitter. Criteria: Athena Diagnostics Criteria. Collection method: clinical testing. Allele origin: unknown.

GeneDx
Classification: Uncertain significance. Last evaluated: 2018-06-07. Review status: criteria provided, single submitter. Criteria: GeneDx Variant Classification (06012015). Collection method: clinical testing. Allele origin: germline. Affected: yes.
Comment: p.Arg142Lys (AGA>AAA): c.425 G>A in exon 3 of the HSPD1 gene (NM_002156.4). The R142K variant has not been published as a mutation, nor has it been reported as a benign polymorphism to our knowledge. The NHLBI Exome Sequencing Project reports R142K was observed in 25/4406 alleles from individuals of African American background. The R142K variant is a conservative amino acid substitution, which is not likely to impact secondary protein structure as these residues share similar properties. This substitution occurs at a position that is conserved across species. In silico analysis is inconsistent in its predictions as to whether or not the variant is damaging to the protein structure/function. Therefore, based on the currently available information, it is unclear whether this variant is a pathogenic mutation or a rare benign variant. The variant is found in MITONUC-MITOP panel(s).

Literature cited by the submitters: PubMed 32746448 (cited by Mayo Clinic Laboratories, Mayo Clinic).

NM_002156.5(HSPD1):c.425G>A (p.Arg142Lys)

Gene: HSPD1 (heat shock protein family D (Hsp60) member 1; minus strand). Cytogenetic location: 2q33.1.
Variant type: single nucleotide variant.
Coding change: c.425G>A on transcript NM_002156.5 (MANE Select); coding-DNA position 425, G replaced by A.
Protein change: p.Arg142Lys; replaces arginine 142 with lysine.
Molecular consequence: missense variant.
Genome position (GRCh38, 1-based): chr2:197,497,142, C>T on the plus strand (G>A on the coding strand, the complement: HSPD1 is on the minus strand). VCF-style: chr2-197497142-C-T. GRCh37 (hg19) VCF-style: chr2-198361866-C-T.
Other names: p.R142K:AGA>AAA; c.425G>A, p.Arg142Lys (NM_199440.2); short protein forms R142K.
Identifiers: ClinVar variation 214551 (VCV000214551.16), dbSNP rs61755731, ClinGen allele CA324257.